The following is an entry in ClinVar:

NM_017950.4(CCDC40):c.2832+395dup

Gene: CCDC40 (coiled-coil domain 40 molecular ruler complex subunit; plus strand). Cytogenetic location: 17q25.3.
Variant type: Duplication.
Coding change: c.2832+395dup on transcript NM_017950.4 (MANE Select); 395 bases into the intron after coding-DNA position 2832, one base duplicated (A; older notation c.2832+395dupA).
Molecular consequence: intron variant. On other transcripts: frameshift variant (1).
Genome position (GRCh38, 1-based): chr17:80,090,279, A duplicated; the last of 2 consecutive A bases (chr17:80,090,278-80,090,279); duplicating either gives the same sequence. VCF-style (leftmost placement, unchanged base first): chr17-80090277-G-GA. GRCh37 (hg19) VCF-style: chr17-78064076-G-GA.
Other names: c.2973dup, p.Gln992fs (NM_001243342.2); c.2973dupA (NM_001243342.1); short protein forms Q992fs.
Identifiers: ClinVar variation 931828 (VCV000931828.3), dbSNP rs1216169899, ClinGen allele CA628018119.

ClinVar aggregate classification (germline): Likely pathogenic (1 of 4 stars; one submission).

Conditions:
Primary ciliary dyskinesia 15. Also called: CILIARY DYSKINESIA, PRIMARY, 15, WITH OR WITHOUT SITUS INVERSUS. Identifiers: Orphanet 244, MedGen C3151137, MONDO:0013435, OMIM 613808.

Submission:

Centre for Mendelian Genomics, University Medical Centre Ljubljana
Classification: Likely pathogenic for Primary ciliary dyskinesia 15. Last evaluated: 2020-02-19. Review status: criteria provided, single submitter. Criteria: ACMG Guidelines, 2015. Collection method: clinical testing. Allele origin: unknown. Affected: yes.
Comment: This variant was classified as: Likely pathogenic. The following ACMG criteria were applied in classifying this variant: PVS1,PM2.